The following is an entry in ClinVar:

NM_014727.3(KMT2B):c.4978A>G (p.Ser1660Gly)

Gene: KMT2B (lysine methyltransferase 2B; plus strand). Cytogenetic location: 19q13.12.
Variant type: single nucleotide variant.
Coding change: c.4978A>G on transcript NM_014727.3 (MANE Select); coding-DNA position 4978, A replaced by G.
Protein change: p.Ser1660Gly; replaces serine 1660 with glycine.
Molecular consequence: missense variant.
Genome position (GRCh38, 1-based): chr19:35,730,027, A>G. VCF-style: chr19-35730027-A-G. GRCh37 (hg19) VCF-style: chr19-36220928-A-G.
Other names: short protein forms S1660G.
Identifiers: ClinVar variation 1305406 (VCV001305406.2), dbSNP rs1038476972, ClinGen allele CA307792958.

ClinVar aggregate classification (germline): Uncertain significance (1 of 4 stars; one submission).

Allele frequency attached by ClinVar (database versions not stated): gnomAD exomes below 0.00001.
gnomAD v4.1: 6 of 1,613,780 alleles (0.00037%); highest among the groups gnomAD compares: Non-Finnish European, 0.00034%; no homozygotes.

Submission:

GeneDx
Classification: Uncertain significance. Last evaluated: 2019-05-09. Review status: criteria provided, single submitter. Criteria: GeneDx Variant Classification Process June 2021. Collection method: clinical testing. Allele origin: germline. Affected: yes.
Comment: Not observed in large population cohorts (Lek et al., 2016); In silico analysis, which includes protein predictors and evolutionary conservation, supports a deleterious effect; Has not been previously published as pathogenic or benign to our knowledge